The following is an entry in ClinVar:

ClinVar aggregate classification (germline): Uncertain significance (1 of 4 stars; one submission).

Conditions:
Hereditary cancer-predisposing syndrome. Also called: Neoplastic Syndromes, Hereditary; Tumor predisposition; Hereditary neoplastic syndrome; Hereditary Cancer Syndrome. Identifiers: Orphanet 140162, MedGen C0027672, MeSH D009386, MONDO:0015356.

Submission:

Ambry Genetics
Classification: Uncertain significance for Hereditary cancer-predisposing syndrome. Last evaluated: 2026-07-06. Review status: criteria provided, single submitter. Criteria: Ambry Variant Classification Scheme 2023. Collection method: clinical testing. Allele origin: germline.
Comment: The p.R554G variant (also known as c.1660A>G), located in coding exon 11 of the PDGFRA gene, results from an A to G substitution at nucleotide position 1660. The arginine at codon 554 is replaced by glycine, an amino acid with dissimilar properties. This amino acid position is highly conserved in available vertebrate species. In addition, this alteration is predicted to be deleterious by in silico analysis. Based on the available evidence, the clinical significance of this variant remains unclear.

NM_006206.6(PDGFRA):c.1660A>G (p.Arg554Gly)

Gene: PDGFRA (platelet derived growth factor receptor alpha; plus strand). Cytogenetic location: 4q12.
Variant type: single nucleotide variant.
Coding change: c.1660A>G on transcript NM_006206.6 (MANE Select); coding-DNA position 1660, A replaced by G.
Protein change: p.Arg554Gly; replaces arginine 554 with glycine.
Molecular consequence: missense variant.
Genome position (GRCh38, 1-based): chr4:54,274,847, A>G. VCF-style: chr4-54274847-A-G. GRCh37 (hg19) VCF-style: chr4-55141014-A-G.
Other names: c.1660A>G, p.Arg554Gly (NM_001347827.2, NM_001347829.2); c.1735A>G, p.Arg579Gly (NM_001347828.2); c.1699A>G, p.Arg567Gly (NM_001347830.2); short protein forms R579G, R554G, R567G.
Identifiers: ClinVar variation 5026392 (VCV005026392.1).
Genomic context (GRCh38, chr4:54,274,847, plus strand): 5'-CTGGTGCACTGGGACTTTGGTAATTCACCAGTTACCTGTCCTGGTCATTTATAGAAACCG[A>G]GGTATGAAATTCGCTGGAGGGTCATTGAATCAATCAGCCCAGATGGACATGAATATATTT-3'
Protein context (NP_006197.1, residues 544-564): VLVVIWKQKP[Arg554Gly]YEIRWRVIES